The following is an entry in ClinVar:

NM_003738.5(PTCH2):c.286G>A (p.Glu96Lys)

Gene: PTCH2 (patched 2; minus strand). Cytogenetic location: 1p34.1.
Variant type: single nucleotide variant.
Coding change: c.286G>A on transcript NM_003738.5 (MANE Select); coding-DNA position 286, G replaced by A.
Protein change: p.Glu96Lys; replaces glutamic acid 96 with lysine.
Molecular consequence: missense variant.
Genome position (GRCh38, 1-based): chr1:44,832,321, C>T on the plus strand (G>A on the coding strand, the complement: PTCH2 is on the minus strand). VCF-style: chr1-44832321-C-T. GRCh37 (hg19) VCF-style: chr1-45297993-C-T.
Other names: c.286G>A, p.Glu96Lys (NM_001166292.2); short protein forms E96K.
Identifiers: ClinVar variation 1351077 (VCV001351077.6), dbSNP rs773172626, ClinGen allele CA823677.
Genomic context (GRCh38, chr1:44,832,321, plus strand): 5'-TCAGCATCTGAGAGGTGTATGCAGCCTCCTCCCCCAGCTTCTCCTTGGTGTAATGCAGCT[C>T]CTGGCTCACCCGGCTGCCCACTGCCAGAGCAAACAGAGAAAGCTGGGGGGGAAAGGGCCT-3'
Protein context (NP_003729.3, residues 86-106): WVEVGSRVSQ[Glu96Lys]LHYTKEKLGE

ClinVar aggregate classification (germline): Uncertain significance (1 of 4 stars; one submission).

Conditions:
Gorlin syndrome. Also called: Basal cell nevus syndrome; Nevoid Basal Cell Carcinoma Syndrome. Identifiers: Orphanet 377, MedGen C0004779, MONDO:0007187.

Allele frequency attached by ClinVar (database versions not stated): TOPMed below 0.00001; ExAC 0.00002; gnomAD exomes 0.00002.
gnomAD v4.1: 25 of 1,614,204 alleles (0.0015%); highest among the groups gnomAD compares: Non-Finnish European, 0.0019%; no homozygotes.

Submission:

Labcorp Genetics (formerly Invitae), Labcorp
Classification: Uncertain significance for Gorlin syndrome. Last evaluated: 2026-02-03. Review status: criteria provided, single submitter. Criteria: Invitae Variant Classification Sherloc (09022015). Collection method: clinical testing. Allele origin: germline.
Comment: This sequence change replaces glutamic acid, which is acidic and polar, with lysine, which is basic and polar, at codon 96 of the PTCH2 protein (p.Glu96Lys). This variant is present in population databases (rs773172626, gnomAD 0.003%). This variant has not been reported in the literature in individuals affected with PTCH2-related conditions. ClinVar contains an entry for this variant (Variation ID: 1351077). Invitae Evidence Modeling of protein sequence and biophysical properties (such as structural, functional, and spatial information, amino acid conservation, physicochemical variation, residue mobility, and thermodynamic stability) indicates that this missense variant is expected to disrupt PTCH2 protein function with a positive predictive value of 80%. In summary, the available evidence is currently insufficient to determine the role of this variant in disease. Therefore, it has been classified as a Variant of Uncertain Significance.